The following is an entry in ClinVar:

ClinVar aggregate classification (germline): Likely benign (1 of 4 stars; one submission).

Conditions:
SH2B1-related disorder. Also called: SH2B1-related condition.

gnomAD v4.1: 1 of 1,614,112 alleles (0.000062%); highest among the groups gnomAD compares: Non-Finnish European, 0.000085%; no homozygotes.

Submission:

PreventionGenetics, part of Exact Sciences
Classification: Likely benign for SH2B1-related condition. Last evaluated: 2026-07-15. Review status: criteria provided, single submitter. Criteria: ACMG Guidelines, 2015. Collection method: clinical testing. Allele origin: germline.
Comment: This variant is classified as likely benign based on ACMG/AMP sequence variant interpretation guidelines (Richards et al. 2015 PMID: 25741868, with internal and published modifications).

NM_001387430.1(SH2B1):c.1338C>T (p.Pro446=)

Gene: SH2B1 (SH2B adaptor protein 1; plus strand). Cytogenetic location: 16p11.2.
Variant type: single nucleotide variant.
Coding change: c.1338C>T on transcript NM_001387430.1 (MANE Select); coding-DNA position 1338, C replaced by T.
Protein change: p.Pro446=; no amino-acid change (proline 446 retained).
Molecular consequence: synonymous variant.
Genome position (GRCh38, 1-based): chr16:28,871,808, C>T. VCF-style: chr16-28871808-C-T. GRCh37 (hg19) VCF-style: chr16-28883129-C-T.
Other names: c.1338C>T, p.Pro446= (NM_001145795.2, NM_001145796.2, NM_001145797.2 and 4 more transcripts); c.330C>T, p.Pro110= (NM_001308294.2).
Identifiers: ClinVar variation 4987071 (VCV004987071.1).
Genomic context (GRCh38, chr16:28,871,808, plus strand): 5'-TGGGTTCTCAGCTTTGCCCTTTTTTTTTCCAGGGGCATATGGGGGCCTCTCAGACCGCCC[C>T]TCGGCATCCATCTCCCCCAGCTCTGCCTCCATTGCCGCCTCCCATTTTGACTCGATGGAA-3'
Protein context (NP_001374359.1, residues 436-456): QGAYGGLSDR[Pro446=]SASISPSSAS